The following is an entry in ClinVar:

ClinVar aggregate classification (germline): Uncertain significance. Review status: criteria provided, multiple submitters, no conflicts (2 of 4 stars). 2 submissions from 2 submitters: Uncertain significance (2). Last evaluated 2023-12-09.

Conditions:
X-linked intellectual disability, van Esch type. Also called: Van Esch-O'Driscoll syndrome; MENTAL RETARDATION, X-LINKED, SYNDROMIC, VAN ESCH-O''DRISCOLL TYPE. Identifiers: Orphanet 163976, MedGen C4305072, MONDO:0015601, OMIM 301030.

Submissions (2):

Labcorp Genetics (formerly Invitae), Labcorp
Classification: Uncertain significance. Last evaluated: 2023-12-09. Review status: criteria provided, single submitter. Criteria: Invitae Variant Classification Sherloc (09022015). Collection method: clinical testing. Allele origin: germline.
Comment: This sequence change replaces aspartic acid, which is acidic and polar, with glycine, which is neutral and non-polar, at codon 1065 of the POLA1 protein (p.Asp1065Gly). This variant is not present in population databases (gnomAD no frequency). This variant has not been reported in the literature in individuals affected with POLA1-related conditions. ClinVar contains an entry for this variant (Variation ID: 1709808). Advanced modeling of protein sequence and biophysical properties (such as structural, functional, and spatial information, amino acid conservation, physicochemical variation, residue mobility, and thermodynamic stability) performed at Invitae indicates that this missense variant is not expected to disrupt POLA1 protein function with a negative predictive value of 80%. In summary, the available evidence is currently insufficient to determine the role of this variant in disease. Therefore, it has been classified as a Variant of Uncertain Significance.

MGZ Medical Genetics Center
Classification: Uncertain significance for X-linked intellectual disability, van Esch type. Last evaluated: 2021-08-11. Review status: criteria provided, single submitter. Criteria: ACMG Guidelines, 2015. Collection method: clinical testing. Allele origin: germline. Affected: yes. Observed: 1 variant allele.
Comment: ACMG criteria applied: PM2_SUP

NM_001330360.2(POLA1):c.3212A>G (p.Asp1071Gly)

Gene: POLA1 (DNA polymerase alpha 1, catalytic subunit; plus strand). Cytogenetic location: Xp22.11.
Variant type: single nucleotide variant.
Coding change: c.3212A>G on transcript NM_001330360.2 (MANE Select); coding-DNA position 3212, A replaced by G.
Protein change: p.Asp1071Gly; replaces aspartic acid 1071 with glycine.
Molecular consequence: missense variant. On other transcripts: non-coding transcript variant (2).
Genome position (GRCh38, 1-based): chrX:24,812,779, A>G. VCF-style: chrX-24812779-A-G. GRCh37 (hg19) VCF-style: chrX-24830896-A-G.
Other names: c.3137A>G, p.Asp1046Gly (NM_001378303.1); c.3194A>G, p.Asp1065Gly (NM_016937.4); short protein forms D1046G, D1065G, D1071G.
Identifiers: ClinVar variation 1709808 (VCV001709808.5), dbSNP rs2518668983, ClinGen allele CA412525425.